The following is an entry in ClinVar:

ClinVar aggregate classification (germline): Uncertain significance. Review status: reviewed by expert panel (3 of 4 stars). 2 submissions from 2 submitters: Uncertain significance (1). 1 of the submissions does not count toward it. Last evaluated 2025-01-15.

Conditions:
Hereditary thrombocytopenia and hematological cancer predisposition syndrome associated with RUNX1. Also called: Familial Platelet Disorder with Propensity to Acute Myelogenous Leukemia; Familial thrombocytopenia with propensity to acute myelogenous leukemia; PLATELET DISORDER, ASPIRIN-LIKE; RUNX1 Familial Platelet Disorder with Associated Myeloid Malignancies. Identifiers: Orphanet 71290, MedGen C1832388, MeSH C563324, MONDO:0100083, OMIM 601399.
Hereditary thrombocytopenia and hematologic cancer predisposition syndrome. Identifiers: Orphanet 71290, MedGen CN281654, MONDO:0011071.

Allele frequency attached by ClinVar (database versions not stated): gnomAD exomes below 0.00001; ExAC 0.00001.
gnomAD v4.1: 1 of 1,416,094 alleles (0.000071%); highest among the groups gnomAD compares: Non-Finnish European, 0.000094%; no homozygotes.

Submissions (2):

ClinGen Myeloid Malignancy Variant Curation Expert Panel
Classification: Uncertain significance for Hereditary thrombocytopenia and hematologic cancer predisposition syndrome. Last evaluated: 2025-01-15. Review status: reviewed by expert panel. Criteria: ClinGen MyeloMalig ACMG Specifications v2. Collection method: curation. Allele origin: germline. Inheritance: Autosomal dominant inheritance.
Comment: NM_001754.5(RUNX1):c.614-7A>G is an intronic variant which has a SpliceAI score ≤ 0.20 (0.01) (BP4). This variant is completely absent from all population databases with at least 20x coverage for RUNX1 (PM2_Supporting). In summary, the clinical significance of this variant is uncertain. ACMG/AMP criteria applied, as specified by the Myeloid Malignancy Variant Curation Expert Panel for RUNX1: PM2_supporting, BP4.

Labcorp Genetics (formerly Invitae), Labcorp
Classification: Likely benign for Hereditary thrombocytopenia and hematological cancer predisposition syndrome associated with RUNX1. Last evaluated: 2023-10-25. Review status: criteria provided, single submitter. Criteria: Invitae Variant Classification Sherloc (09022015). Collection method: clinical testing. Allele origin: germline. Not counted in ClinVar's aggregate classification.

NM_001754.5(RUNX1):c.614-7A>G

Gene: RUNX1 (RUNX family transcription factor 1; minus strand). Cytogenetic location: 21q22.12.
Variant type: single nucleotide variant.
Coding change: c.614-7A>G on transcript NM_001754.5 (MANE Select); 7 bases into the intron before coding-DNA position 614, A replaced by G.
Molecular consequence: intron variant.
Genome position (GRCh38, 1-based): chr21:34,834,608, T>C on the plus strand (A>G on the coding strand, the complement: RUNX1 is on the minus strand). VCF-style: chr21-34834608-T-C. GRCh37 (hg19) VCF-style: chr21-36206905-T-C.
Other names: c.533-7A>G (NM_001001890.3, NM_001122607.2).
Identifiers: ClinVar variation 2714614 (VCV002714614.4), dbSNP rs763091190, ClinGen allele CA10014394.
Genomic context (GRCh38, chr21:34,834,608, plus strand): 5'-CGGAAAAGGACAAGCTCCCGGGCTTGGTCTGATCATCTAGTTTCTGCCGATGTCCTATTG[T>C]GGGGAGCAGGGAGGGGAGGGGATGGGGGGAGGGAAGGAGGGAGGGAAGAGATCAGAAAAA-3'